The following is an entry in ClinVar:

NM_003628.6(PKP4):c.2434T>G (p.Ser812Ala)

Genes: PKP4 (plakophilin 4; plus strand), PKP4-AS1 (PKP4 antisense RNA 1; minus strand). Cytogenetic location: 2q24.1.
Variant type: single nucleotide variant.
Coding change: c.2434T>G on transcript NM_003628.6 (MANE Select); coding-DNA position 2434, T replaced by G.
Protein change: p.Ser812Ala; replaces serine 812 with alanine.
Molecular consequence: missense variant.
Genome position (GRCh38, 1-based): chr2:158,663,302, T>G. VCF-style: chr2-158663302-T-G. GRCh37 (hg19) VCF-style: chr2-159519814-T-G.
Other names: c.2434T>G, p.Ser812Ala (NM_001005476.4, NM_001304971.2, NM_001377218.1 and 1 more transcripts); c.2431T>G, p.Ser811Ala (NM_001304969.3, NM_001377219.1, NM_001377220.1 and 2 more transcripts); c.1405T>G, p.Ser469Ala (NM_001304970.3); c.2428T>G, p.Ser810Ala (NM_001377222.1, NM_001377223.1); c.2425T>G, p.Ser809Ala (NM_001377224.1); short protein forms S812A, S809A, S810A, S811A, S469A.
Identifiers: ClinVar variation 4825843 (VCV004825843.1).

ClinVar aggregate classification (germline): Uncertain significance (1 of 4 stars; one submission).

Submission:

Ambry Genetics
Classification: Uncertain significance. Last evaluated: 2026-02-24. Review status: criteria provided, single submitter. Criteria: Ambry Variant Classification Scheme 2023. Collection method: clinical testing. Allele origin: germline.
Comment: The p.S812A variant (also known as c.2434T>G), located in coding exon 14 of the PKP4 gene, results from a T to G substitution at nucleotide position 2434. The serine at codon 812 is replaced by alanine, an amino acid with similar properties. This amino acid position is conserved. In addition, the in silico prediction for this alteration is inconclusive. Based on the available evidence, the clinical significance of this variant remains unclear.